The following is an entry in ClinVar:

NM_000282.4(PCCA):c.1210-1G>A

Gene: PCCA (propionyl-CoA carboxylase subunit alpha; plus strand). Cytogenetic location: 13q32.3.
Variant type: single nucleotide variant.
Coding change: c.1210-1G>A on transcript NM_000282.4 (MANE Select); the canonical splice acceptor site of the intron before coding-DNA position 1210, G replaced by A.
Molecular consequence: splice acceptor variant.
Genome position (GRCh38, 1-based): chr13:100,302,923, G>A. VCF-style: chr13-100302923-G-A. GRCh37 (hg19) VCF-style: chr13-100955177-G-A.
Other names: c.1210-1G>A (NM_001178004.2, NM_001352605.2, NM_001352609.2); c.1066-1G>A (NM_001352606.2); c.265-1G>A (NM_001352610.2, NM_001352611.2); c.121-1G>A (NM_001352612.2); c.1132-1G>A (NM_001127692.3, NM_001352607.2); c.988-1G>A (NM_001352608.2).
Identifiers: ClinVar variation 2897072 (VCV002897072.4), dbSNP rs2548122686, ClinGen allele CA388695410.

ClinVar aggregate classification (germline): Conflicting classifications of pathogenicity. Review status: criteria provided, conflicting classifications (1 of 4 stars). 2 submissions from 2 submitters: Likely pathogenic (1); Uncertain significance (1). Last evaluated 2026-07-27.

Conditions:
Propionic acidemia (PROP). Also called: GLYCINEMIA, KETOTIC; HYPERGLYCINEMIA WITH KETOACIDOSIS AND LEUKOPENIA; KETOTIC HYPERGLYCINEMIA. Identifiers: Orphanet 35, MedGen C0268579, MONDO:0011628, OMIM 606054, HP:0003571.

Allele frequency attached by ClinVar (database versions not stated): gnomAD exomes below 0.00001.
gnomAD v4.1: 1 of 1,576,560 alleles (0.000063%); highest among the groups gnomAD compares: African/African-American, 0.0013%; no homozygotes.

Submissions (2):

Myriad Genetics, Inc.
Classification: Uncertain significance for Propionic acidemia. Last evaluated: 2026-07-27. Review status: criteria provided, single submitter. Criteria: Myriad Autosomal Dominant, Autosomal Recessive and X-Linked Classification Criteria (2023). Collection method: clinical testing. Allele origin: unknown.
Comment: NM_000282.3(PCCA):c.1210-1G>A is a variant in a canonical splice site classified as a variant of uncertain significance in the context of PCCA-related propionic acidemia. c.1210-1G>A has not been observed in cases with relevant disease. Relevant functional assessments of this variant are not available in the literature. c.1210-1G>A has not been observed in referenced population frequency databases. In summary, there is insufficient evidence to classify NM_000282.3(PCCA):c.1210-1G>A as pathogenic or benign. Please note: this variant was assessed in the context of healthy population screening.

Labcorp Genetics (formerly Invitae), Labcorp
Classification: Likely pathogenic for Propionic acidemia. Last evaluated: 2023-07-26. Review status: criteria provided, single submitter. Criteria: Invitae Variant Classification Sherloc (09022015). Collection method: clinical testing. Allele origin: germline.
Comment: In summary, the currently available evidence indicates that the variant is pathogenic, but additional data are needed to prove that conclusively. Therefore, this variant has been classified as Likely Pathogenic. Algorithms developed to predict the effect of sequence changes on RNA splicing suggest that this variant may disrupt the consensus splice site. This variant has not been reported in the literature in individuals affected with PCCA-related conditions. This variant is not present in population databases (gnomAD no frequency). This sequence change affects an acceptor splice site in intron 13 of the PCCA gene. It is expected to disrupt RNA splicing. Variants that disrupt the donor or acceptor splice site typically lead to a loss of protein function (PMID: 16199547), and loss-of-function variants in PCCA are known to be pathogenic (PMID: 15464417).

Literature cited by the submitters: PubMed 16199547 (cited by Labcorp Genetics (formerly Invitae), Labcorp); PubMed 15464417 (cited by Labcorp Genetics (formerly Invitae), Labcorp).